The following is an entry in ClinVar:

NM_023013.4(PRAMEF1):c.826T>A (p.Leu276Met)

Gene: PRAMEF1 (PRAME family member 1; plus strand). Cytogenetic location: 1p36.21.
Variant type: single nucleotide variant.
Coding change: c.826T>A on transcript NM_023013.4 (MANE Select); coding-DNA position 826, T replaced by A.
Protein change: p.Leu276Met; replaces leucine 276 with methionine.
Molecular consequence: missense variant.
Genome position (GRCh38, 1-based): chr1:12,794,453, T>A. VCF-style: chr1-12794453-T-A. GRCh37 (hg19) VCF-style: chr1-12854602-T-A.
Other names: short protein forms L276M.
Identifiers: ClinVar variation 4533940 (VCV004533940.6).

ClinVar aggregate classification (germline): Likely benign (1 of 4 stars; one submission).

gnomAD v4.1: 590 of 1,602,574 alleles (0.037%); highest among the groups gnomAD compares: South Asian, 0.14%; 77 homozygotes.

Submission:

CeGaT Center for Human Genetics Tuebingen
Classification: Likely benign. Last evaluated: 2025-10-01. Review status: criteria provided, single submitter. Criteria: CeGaT Center For Human Genetics Tuebingen Variant Classification Criteria Version 2. Collection method: clinical testing. Allele origin: germline. Affected: yes. Observed: 1 variant allele.
Comment: PRAMEF1: BS2